The following is an entry in ClinVar:

ClinVar aggregate classification (germline): Uncertain significance (1 of 4 stars; one submission).

Submission:

GeneDx
Classification: Uncertain significance. Last evaluated: 2023-03-24. Review status: criteria provided, single submitter. Criteria: GeneDx Variant Classification Process June 2021. Collection method: clinical testing. Allele origin: germline. Affected: yes.
Comment: Not observed at significant frequency in large population cohorts (gnomAD); In silico analysis supports that this missense variant does not alter protein structure/function; Has not been previously published as pathogenic or benign to our knowledge

NM_000836.4(GRIN2D):c.2869C>A (p.Leu957Met)

Gene: GRIN2D (glutamate ionotropic receptor NMDA type subunit 2D; plus strand). Cytogenetic location: 19q13.33.
Variant type: single nucleotide variant.
Coding change: c.2869C>A on transcript NM_000836.4 (MANE Select); coding-DNA position 2869, C replaced by A.
Protein change: p.Leu957Met; replaces leucine 957 with methionine.
Molecular consequence: missense variant.
Genome position (GRCh38, 1-based): chr19:48,442,795, C>A. VCF-style: chr19-48442795-C-A. GRCh37 (hg19) VCF-style: chr19-48946052-C-A.
Other names: short protein forms L957M.
Identifiers: ClinVar variation 2580715 (VCV002580715.1), dbSNP rs1017639957, ClinGen allele CA406674045.